The following is an entry in ClinVar:

NM_005585.5(SMAD6):c.362G>A (p.Cys121Tyr)

Gene: SMAD6 (SMAD family member 6; plus strand). Cytogenetic location: 15q22.31.
Variant type: single nucleotide variant.
Coding change: c.362G>A on transcript NM_005585.5 (MANE Select); coding-DNA position 362, G replaced by A.
Protein change: p.Cys121Tyr; replaces cysteine 121 with tyrosine.
Molecular consequence: missense variant. On other transcripts: non-coding transcript variant (1).
Genome position (GRCh38, 1-based): chr15:66,703,620, G>A. VCF-style: chr15-66703620-G-A. GRCh37 (hg19) VCF-style: chr15-66995958-G-A.
Other names: p.Cys121Tyr; short protein forms C121Y.
Identifiers: ClinVar variation 436796 (VCV000436796.25), dbSNP rs80232004, ClinGen allele CA7626457.
Genomic context (GRCh38, chr15:66,703,620, plus strand): 5'-GGAGCTCCCTGCTGGACGTGGCGGAGCCGGGAGGCCCGGGCTGGCTGCCCGAGAGTGACT[G>A]CGAGACGGTGACCTGCTGTCTCTTTTCGGAGCGGGACGCCGCCGGCGCGCCCCGGGACGC-3'
Protein context (NP_005576.3, residues 111-131): GGPGWLPESD[Cys121Tyr]ETVTCCLFSE

ClinVar aggregate classification (germline): Conflicting classifications of pathogenicity. Review status: criteria provided, conflicting classifications (1 of 4 stars). 7 submissions from 7 submitters: Uncertain significance (1); Benign (1); Likely benign (5). Last evaluated 2026-06-01.

Conditions:
Aortic valve disease 2 (AOVD2). Identifiers: MedGen C3542024, MONDO:0013902, OMIM 614823.

Allele frequency attached by ClinVar (database versions not stated): gnomAD exomes 0.00038 and 0.00080; gnomAD 0.00101; TOPMed 0.00158; 1000 Genomes Project 0.00439; 1000 Genomes Project 30x 0.00453; ExAC 0.01099.
gnomAD v4.1: 600 of 1,231,328 alleles (0.049%); highest among the groups gnomAD compares: East Asian, 1.3%; 2 homozygotes.

Submissions (7):

CeGaT Center for Human Genetics Tuebingen
Classification: Likely benign. Last evaluated: 2026-06-01. Review status: criteria provided, single submitter. Criteria: CeGaT Center For Human Genetics Tuebingen Variant Classification Criteria Version 2. Collection method: clinical testing. Allele origin: germline. Affected: yes. Observed: 1 variant allele.
Comment: SMAD6: BS1

Labcorp Genetics (formerly Invitae), Labcorp
Classification: Benign for Aortic valve disease 2. Last evaluated: 2026-02-02. Review status: criteria provided, single submitter. Criteria: Invitae Variant Classification Sherloc (09022015). Collection method: clinical testing. Allele origin: germline.

Mayo Clinic Laboratories, Mayo Clinic
Classification: Likely benign. Last evaluated: 2025-10-16. Review status: criteria provided, single submitter. Criteria: ACMG Guidelines, 2015. Collection method: clinical testing. Allele origin: germline. Observed: 1 variant allele.
Comment: BS1

Blueprint Genetics
Classification: Likely benign. Last evaluated: 2024-11-20. Review status: criteria provided, single submitter. Criteria: ACMG Guidelines, 2015. Collection method: clinical testing. Allele origin: germline.

Women's Health and Genetics/Laboratory Corporation of America, LabCorp
Classification: Likely benign. Last evaluated: 2024-01-29. Review status: criteria provided, single submitter. Criteria: LabCorp Variant Classification Summary - May 2015. Collection method: clinical testing. Allele origin: germline.
Comment: Variant summary: SMAD6 c.362G>A (p.Cys121Tyr) results in a non-conservative amino acid change in the encoded protein sequence. Three of five in-silico tools predict a damaging effect of the variant on protein function. The variant allele was found at a frequency of 0.00049 in 1231328 control chromosomes, predominantly at a frequency of 0.013 within the Latino subpopulation in the gnomAD database v4. The observed variant frequency within Latino control individuals in the gnomAD database is approximately 415.99 fold of the estimated maximal expected allele frequency for a pathogenic variant in SMAD6 causing Aortic Valve Disease phenotype (3.1e-05), strongly suggesting that the variant is a benign polymorphism found primarily in populations of Latino origin. To our knowledge, no occurrence of c.362G>A in individuals affected with Aortic Valve Disease and no experimental evidence demonstrating its impact on protein function have been reported. ClinVar contains an entry for this variant (Variation ID: 436796). Based on the evidence outlined above, the variant was classified as likely benign.

New York Genome Center
Classification: Uncertain significance for Aortic valve disease 2. Last evaluated: 2019-05-31. Review status: criteria provided, single submitter. Criteria: NYGC Assertion Criteria 2020. Collection method: clinical testing. Allele origin: germline. Observed: 1 heterozygote. Study: CSER-NYCKidSeq.

Genetic Services Laboratory, University of Chicago
Classification: Likely benign. Last evaluated: 2016-08-19. Review status: criteria provided, single submitter. Criteria: ACMG Guidelines, 2015. Collection method: clinical testing. Allele origin: germline. Affected: no.